The following is an entry in ClinVar:

ClinVar aggregate classification (germline): Uncertain significance. Review status: criteria provided, multiple submitters, no conflicts (2 of 4 stars). 3 submissions from 3 submitters: Uncertain significance (3). Last evaluated 2025-11-16.

Conditions:
TTLL5-related disorder. Also called: TTLL5-related condition.

Allele frequency attached by ClinVar (database versions not stated): gnomAD 0.00001; ExAC 0.00002.
gnomAD v4.1: 8 of 1,614,096 alleles (0.0005%); highest among the groups gnomAD compares: African/African-American, 0.0027%; no homozygotes.

Submissions (3):

PreventionGenetics, part of Exact Sciences
Classification: Uncertain significance for TTLL5-related condition. Last evaluated: 2025-11-16. Review status: criteria provided, single submitter. Criteria: ACMG Guidelines, 2015. Collection method: clinical testing. Allele origin: germline.
Comment: The TTLL5 c.1225C>T variant is predicted to result in the amino acid substitution p.Arg409Trp. To our knowledge, this variant has not been reported in the literature. This variant is reported in 0.018% of alleles in individuals of African descent in gnomAD. At this time, the clinical significance of this variant is uncertain due to the absence of conclusive functional and genetic evidence.

Blueprint Genetics
Classification: Uncertain significance. Last evaluated: 2022-06-15. Review status: criteria provided, single submitter. Criteria: ACMG Guidelines, 2015. Collection method: clinical testing. Allele origin: germline.

Labcorp Genetics (formerly Invitae), Labcorp
Classification: Uncertain significance. Last evaluated: 2022-01-07. Review status: criteria provided, single submitter. Criteria: Invitae Variant Classification Sherloc (09022015). Collection method: clinical testing. Allele origin: germline.
Comment: This sequence change replaces arginine, which is basic and polar, with tryptophan, which is neutral and slightly polar, at codon 409 of the TTLL5 protein (p.Arg409Trp). This variant is present in population databases (rs762730947, gnomAD 0.02%). This variant has not been reported in the literature in individuals affected with TTLL5-related conditions. Algorithms developed to predict the effect of missense changes on protein structure and function are either unavailable or do not agree on the potential impact of this missense change (SIFT: "Deleterious"; PolyPhen-2: "Probably Damaging"; Align-GVGD: "Class C15"). In summary, the available evidence is currently insufficient to determine the role of this variant in disease. Therefore, it has been classified as a Variant of Uncertain Significance.

NM_015072.5(TTLL5):c.1225C>T (p.Arg409Trp)

Gene: TTLL5 (tubulin tyrosine ligase like 5; plus strand). Cytogenetic location: 14q24.3.
Variant type: single nucleotide variant.
Coding change: c.1225C>T on transcript NM_015072.5 (MANE Select); coding-DNA position 1225, C replaced by T.
Protein change: p.Arg409Trp; replaces arginine 409 with tryptophan.
Molecular consequence: missense variant.
Genome position (GRCh38, 1-based): chr14:75,735,233, C>T. VCF-style: chr14-75735233-C-T. GRCh37 (hg19) VCF-style: chr14-76201576-C-T.
Other names: c.1225C>T (NM_015072.4); short protein forms R409W.
Identifiers: ClinVar variation 1974904 (VCV001974904.4), dbSNP rs762730947, ClinGen allele CA7279292.